The following is an entry in ClinVar:

ClinVar aggregate classification (germline): Benign. Review status: criteria provided, multiple submitters, no conflicts (2 of 4 stars). 2 submissions from 2 submitters: Benign (2). Last evaluated 2025-05-13.

Conditions:
Pitt-Hopkins-like syndrome 2 (PTHSL2). Identifiers: Orphanet 221150, Orphanet 600663, MedGen C3280479, MONDO:0013690, OMIM 614325.

Allele frequency attached by ClinVar (database versions not stated): gnomAD below 0.00001 and 0.00007; TOPMed 0.00001; gnomAD exomes 0.00015 and 0.00027; ExAC 0.00031.
gnomAD v4.1: 220 of 1,578,718 alleles (0.014%); highest among the groups gnomAD compares: South Asian, 0.24%; 2 homozygotes.

Submissions (2):

Labcorp Genetics (formerly Invitae), Labcorp
Classification: Benign for Pitt-Hopkins-like syndrome 2. Last evaluated: 2025-05-13. Review status: criteria provided, single submitter. Criteria: Invitae Variant Classification Sherloc (09022015). Collection method: clinical testing. Allele origin: germline.

GeneDx
Classification: Benign. Last evaluated: 2013-10-08. Review status: criteria provided, single submitter. Criteria: GeneDx Variant Classification (06012015). Collection method: clinical testing. Allele origin: germline. Affected: yes.
Comment: This variant is considered likely benign or benign based on one or more of the following criteria: it is a conservative change, it occurs at a poorly conserved position in the protein, it is predicted to be benign by multiple in silico algorithms, and/or has population frequency not consistent with disease.

NM_001330078.2(NRXN1):c.4216+17T>A

Gene: NRXN1 (neurexin 1; minus strand). Cytogenetic location: 2p16.3.
Variant type: single nucleotide variant.
Coding change: c.4216+17T>A on transcript NM_001330078.2 (MANE Select); 17 bases into the intron after coding-DNA position 4216, T replaced by A.
Molecular consequence: intron variant.
Genome position (GRCh38, 1-based): chr2:49,943,687, A>T on the plus strand (T>A on the coding strand, the complement: NRXN1 is on the minus strand). VCF-style: chr2-49943687-A-T. GRCh37 (hg19) VCF-style: chr2-50170825-A-T.
Other names: c.4006+26T>A (NM_001330096.2); c.4015+17T>A (NM_001330087.2); c.4051+26T>A (NM_001330083.2); c.4150+17T>A (NM_001330084.2); c.4036+26T>A (NM_001330088.2); c.4213+17T>A (NM_001330093.2); c.4195+26T>A (NM_001330094.2); c.4075+17T>A (NM_001330095.2); and 12 more.
Identifiers: ClinVar variation 138541 (VCV000138541.5), dbSNP rs200836763, ClinGen allele CA292585.